The following is an entry in ClinVar:

NM_019066.5(MAGEL2):c.3058T>A (p.Leu1020Met)

Gene: MAGEL2 (MAGE family member L2; minus strand). Cytogenetic location: 15q11.2.
Variant type: single nucleotide variant.
Coding change: c.3058T>A on transcript NM_019066.5 (MANE Select); coding-DNA position 3058, T replaced by A.
Protein change: p.Leu1020Met; replaces leucine 1020 with methionine.
Molecular consequence: missense variant.
Genome position (GRCh38, 1-based): chr15:23,644,685, A>T on the plus strand (T>A on the coding strand, the complement: MAGEL2 is on the minus strand). VCF-style: chr15-23644685-A-T. GRCh37 (hg19) VCF-style: chr15-23889832-A-T.
Other names: short protein forms L1020M.
Identifiers: ClinVar variation 4883064 (VCV004883064.2).

ClinVar aggregate classification (germline): Uncertain significance (1 of 4 stars; one submission).

Submission:

Dasa
Classification: Uncertain significance. Last evaluated: 2025-08-07. Review status: criteria provided, single submitter. Criteria: DASA Assertion Criteria. Collection method: clinical testing. Allele origin: germline.
Comment: NM_019066.5(MAGEL2):c.3058T>A (p.Leu1020Met) is a missense variant that results in the substitution of leucine with methionine. This variant is rare in population databases. The currently available literature and clinical evidence are not sufficient to establish a definitive association between this variant and the reported condition. Therefore, this variant is classified as a variant of uncertain significance.